The following is an entry in ClinVar:

ClinVar aggregate classification (germline): Uncertain significance (1 of 4 stars; one submission).

Conditions:
Vitamin B2 deficiency. Identifiers: MedGen C0035528.

Allele frequency attached by ClinVar (database versions not stated): ExAC 0.00002; gnomAD exomes 0.00001.
gnomAD v4.1: 3 of 1,613,984 alleles (0.00019%); highest among the groups gnomAD compares: Admixed American, 0.005%; no homozygotes.

Submission:

Labcorp Genetics (formerly Invitae), Labcorp
Classification: Uncertain significance for Vitamin B2 deficiency. Last evaluated: 2026-01-19. Review status: criteria provided, single submitter. Criteria: Invitae Variant Classification Sherloc (09022015). Collection method: clinical testing. Allele origin: germline.
Comment: This sequence change replaces threonine, which is neutral and polar, with alanine, which is neutral and non-polar, at codon 293 of the SLC52A1 protein (p.Thr293Ala). This variant is present in population databases (rs747109746, gnomAD 0.009%). This variant has not been reported in the literature in individuals affected with SLC52A1-related conditions. ClinVar contains an entry for this variant (Variation ID: 2916758). Invitae Evidence Modeling of protein sequence and biophysical properties (such as structural, functional, and spatial information, amino acid conservation, physicochemical variation, residue mobility, and thermodynamic stability) indicates that this missense variant is not expected to disrupt SLC52A1 protein function with a negative predictive value of 80%. In summary, the available evidence is currently insufficient to determine the role of this variant in disease. Therefore, it has been classified as a Variant of Uncertain Significance.

NM_017986.4(SLC52A1):c.877A>G (p.Thr293Ala)

Gene: SLC52A1 (solute carrier family 52 member 1; minus strand). Cytogenetic location: 17p13.2.
Variant type: single nucleotide variant.
Coding change: c.877A>G on transcript NM_017986.4 (MANE Select); coding-DNA position 877, A replaced by G.
Protein change: p.Thr293Ala; replaces threonine 293 with alanine.
Molecular consequence: missense variant.
Genome position (GRCh38, 1-based): chr17:5,033,612, T>C on the plus strand (A>G on the coding strand, the complement: SLC52A1 is on the minus strand). VCF-style: chr17-5033612-T-C. GRCh37 (hg19) VCF-style: chr17-4936907-T-C.
Other names: c.877A>G, p.Thr293Ala (NM_001104577.2); short protein forms T293A.
Identifiers: ClinVar variation 2916758 (VCV002916758.3), dbSNP rs747109746, ClinGen allele CA8319691.
Genomic context (GRCh38, chr17:5,033,612, plus strand): 5'-AGGCCAGGCGCCCATAGGGCAAACAGGAAAAGCTCTGCACAGAAGGCAGCACGCCATTGG[T>C]CACGGCACTGGTGAAGGCCATCAGGCCCAGCAGGAAGGCACCATGGGCTGAGAACAGCTG-3'
Protein context (NP_060456.3, residues 283-303): LGLMAFTSAV[Thr293Ala]NGVLPSVQSF